The following is an entry in ClinVar:

NM_000138.5(FBN1):c.559T>G (p.Phe187Val)

Gene: FBN1 (fibrillin 1; minus strand). Cytogenetic location: 15q21.1.
Variant type: single nucleotide variant.
Coding change: c.559T>G on transcript NM_000138.5 (MANE Select); coding-DNA position 559, T replaced by G.
Protein change: p.Phe187Val; replaces phenylalanine 187 with valine.
Molecular consequence: missense variant.
Genome position (GRCh38, 1-based): chr15:48,537,788, A>C on the plus strand (T>G on the coding strand, the complement: FBN1 is on the minus strand). VCF-style: chr15-48537788-A-C. GRCh37 (hg19) VCF-style: chr15-48829985-A-C.
Other names: c.559T>G, p.Phe187Val (NM_001406716.1, NM_001406717.1); short protein forms F187V.
Identifiers: ClinVar variation 5009167 (VCV005009167.1).

ClinVar aggregate classification (germline): Uncertain significance (1 of 4 stars; one submission).

Submission:

GeneDx
Classification: Uncertain significance. Last evaluated: 2026-03-13. Review status: criteria provided, single submitter. Criteria: GeneDx Variant Classification Process June 2021. Collection method: clinical testing. Allele origin: germline.
Comment: Not observed at significant frequency in large population cohorts (gnomAD); In silico analysis supports that this missense variant has a deleterious effect on protein structure/function; Has not been previously published as pathogenic or benign to our knowledge; Does not affect a cysteine or calcium-binding residue within an EGF-like domain or a TGF-binding protein domain of the FBN1 gene; cysteine substitutions in the EGF-like domains represent the majority of pathogenic missense changes associated with FBN1-related disorders (PMID: 12938084); This variant is associated with the following publications: (PMID: 12938084)